The following is an entry in ClinVar:

ClinVar aggregate classification (germline): Conflicting classifications of pathogenicity. Review status: criteria provided, conflicting classifications (1 of 4 stars). 5 submissions from 5 submitters: Uncertain significance (2); Likely benign (3). Last evaluated 2026-01-26.

Conditions:
Collagen 6-related myopathy. Identifiers: MedGen CN117976, MONDO:0100225.
Bethlem myopathy 1A. Also called: MYOPATHY, BENIGN CONGENITAL, WITH CONTRACTURES; Bethlem myopathy 1; Bethlem Muscular Dystrophy. Identifiers: Orphanet 610, MedGen CN029274, MONDO:0024530, OMIM 158810.

Allele frequency attached by ClinVar (database versions not stated): gnomAD exomes 0.00023 and 0.00026; ExAC 0.00027; ESP Exome Variant Server 0.00031; gnomAD 0.00034 and 0.00035; TOPMed 0.00035; 1000 Genomes Project 30x 0.00062; 1000 Genomes Project 0.00080.
gnomAD v4.1: 428 of 1,610,586 alleles (0.027%); highest among the groups gnomAD compares: East Asian, 0.056%; no homozygotes.

Submissions (5):

Labcorp Genetics (formerly Invitae), Labcorp
Classification: Likely benign for Bethlem myopathy 1A. Last evaluated: 2026-01-26. Review status: criteria provided, single submitter. Criteria: Invitae Variant Classification Sherloc (09022015). Collection method: clinical testing. Allele origin: germline.

Blueprint Genetics
Classification: Likely benign. Last evaluated: 2024-10-14. Review status: criteria provided, single submitter. Criteria: ACMG Guidelines, 2015. Collection method: clinical testing. Allele origin: germline.

GeneDx
Classification: Uncertain significance. Last evaluated: 2024-09-11. Review status: criteria provided, single submitter. Criteria: GeneDx Variant Classification Process June 2021. Collection method: clinical testing. Allele origin: germline. Affected: yes.
Comment: Reported in an individual with pneumonia, neonatal respiratory distress, umbilical hernia, and hypoglycemia, who harbored a second COL6A2 variant in trans, as well as two variants in the DNAH11 gene (PMID: 31965297); In silico analysis indicates that this variant does not alter splicing; This variant is associated with the following publications: (PMID: 31965297)

Illumina Laboratory Services, Illumina
Classification: Likely benign for Collagen VI-related myopathy. Last evaluated: 2018-01-12. Review status: criteria provided, single submitter. Criteria: ICSL Variant Classification Criteria 13 December 2019. Collection method: clinical testing. Allele origin: germline.
Comment: This variant was observed in the ICSL laboratory as part of a predisposition screen in an ostensibly healthy population. It had not been previously curated by ICSL or reported in the Human Gene Mutation Database (HGMD: prior to June 1st, 2018), and was therefore a candidate for classification through an automated scoring system. Utilizing variant allele frequency, disease prevalence and penetrance estimates, and inheritance mode, an automated score was calculated to assess if this variant is too frequent to cause the disease. Based on the score and internal cut-off values, a variant classified as likely benign is not then subjected to further curation. The score for this variant resulted in a classification of likely benign for this disease.

Eurofins Ntd Llc (ga)
Classification: Uncertain significance. Last evaluated: 2018-01-03. Review status: criteria provided, single submitter. Criteria: EGL Classification Definitions 2015. Collection method: clinical testing. Allele origin: germline. Observed: 3 variant alleles, 3 heterozygotes.

NM_001849.4(COL6A2):c.1970-10C>T

Gene: COL6A2 (collagen type VI alpha 2 chain; plus strand). Cytogenetic location: 21q22.3.
Variant type: single nucleotide variant.
Coding change: c.1970-10C>T on transcript NM_001849.4 (MANE Select); 10 bases into the intron before coding-DNA position 1970, C replaced by T.
Molecular consequence: intron variant.
Genome position (GRCh38, 1-based): chr21:46,125,775, C>T. VCF-style: chr21-46125775-C-T. GRCh37 (hg19) VCF-style: chr21-47545689-C-T.
Other names: c.1970-10C>T (NM_058175.3, NM_058174.3).
Identifiers: ClinVar variation 288836 (VCV000288836.22), dbSNP rs373369963, ClinGen allele CA10072394.